The following is an entry in ClinVar:

NM_080680.3(COL11A2):c.77_78delinsTT (p.Trp26Phe)

Gene: COL11A2 (collagen type XI alpha 2 chain; minus strand). Cytogenetic location: 6p21.32.
Variant type: Indel.
Coding change: c.77_78delinsTT on transcript NM_080680.3 (MANE Select); coding-DNA positions 77 to 78, GG replaced by TT.
Protein change: p.Trp26Phe; replaces tryptophan 26 with phenylalanine.
Molecular consequence: missense variant. On other transcripts: intron variant (1).
Genome position (GRCh38, 1-based): chr6:33,192,163-33,192,164, CC replaced by AA on the plus strand (GG replaced by TT on the coding strand, the reverse complement: COL11A2 is on the minus strand). VCF-style: chr6-33192163-CC-AA. GRCh37 (hg19) VCF-style: chr6-33159940-CC-AA.
Other names: c.77_78delinsTT, p.Trp26Phe (NM_001163771.2, NM_001424108.1, NM_080679.3 and 1 more transcripts); c.-765+861_-765+862delinsTT (NM_001424111.1); short protein forms W26F.
Identifiers: ClinVar variation 2707516 (VCV002707516.3), dbSNP rs2535612400, ClinGen allele CA2697553267.

ClinVar aggregate classification (germline): Uncertain significance (1 of 4 stars; one submission).

Submission:

Labcorp Genetics (formerly Invitae), Labcorp
Classification: Uncertain significance. Last evaluated: 2024-01-11. Review status: criteria provided, single submitter. Criteria: Invitae Variant Classification Sherloc (09022015). Collection method: clinical testing. Allele origin: germline.
Comment: This sequence change replaces tryptophan, which is neutral and slightly polar, with phenylalanine, which is neutral and non-polar, at codon 26 of the COL11A2 protein (p.Trp26Phe). Information on the frequency of this variant in the gnomAD database is not available, as this variant may be reported differently in the database. This variant has not been reported in the literature in individuals affected with COL11A2-related conditions. An algorithm developed to predict the effect of missense changes on protein structure and function (PolyPhen-2) suggests that this variant is likely to be tolerated. In summary, the available evidence is currently insufficient to determine the role of this variant in disease. Therefore, it has been classified as a Variant of Uncertain Significance.